The following is an entry in ClinVar:

Conditions:
Long QT syndrome 5 (LQT5). Identifiers: Orphanet 101016, Orphanet 768, MedGen C1867904, MONDO:0013372, OMIM 613695.

Submission:

Roden Lab, Vanderbilt University Medical Center
No classification provided (evidence only). Condition: Long QT syndrome 5. Review status: no classification provided. Collection method: in vitro. Allele origin: not applicable. Functional consequence: Effect on ion channel function.
ClinVar note: "not provided" was previously submitted as the classification for the variant. However, the classification appeared to be based only on an observation of functional data so it was converted to no classification on 2025-07-30.

NM_000219.6(KCNE1):c.155G>T (p.Gly52Val)

Gene: KCNE1 (potassium voltage-gated channel subfamily E regulatory subunit 1; minus strand). Cytogenetic location: 21q22.12.
Variant type: single nucleotide variant.
Coding change: c.155G>T on transcript NM_000219.6 (MANE Select); coding-DNA position 155, G replaced by T.
Protein change: p.Gly52Val; replaces glycine 52 with valine.
Molecular consequence: missense variant.
Genome position (GRCh38, 1-based): chr21:34,449,480, C>A on the plus strand (G>T on the coding strand, the complement: KCNE1 is on the minus strand). VCF-style: chr21-34449480-C-A. GRCh37 (hg19) VCF-style: chr21-35821778-C-A.
Other names: c.155G>T, p.Gly52Val (NM_001127668.4, NM_001127669.4, NM_001127670.4 and 4 more transcripts); short protein forms G52V.
Identifiers: ClinVar variation 3374192 (VCV003374192.2).